The following is an entry in ClinVar:

ClinVar aggregate classification (germline): Conflicting classifications of pathogenicity. Review status: criteria provided, conflicting classifications (1 of 4 stars). 4 submissions from 4 submitters: Uncertain significance (3); Likely benign (1). Last evaluated 2025-12-15.

Conditions:
Malignant hyperthermia, susceptibility to, 1 (MHS1). Also called: Anesthesia related hyperthermia; Malignant hyperpyrexia; Fulminating hyperpyrexia; Pharmacogenic myopathy; RYR1-Related Malignant Hyperthermia Susceptibility; Malignant hyperthermia suceptibility 1. Identifiers: Orphanet 423, MedGen C2930980, MONDO:0007783, OMIM 145600.
RYR1-related myopathy. Identifiers: Orphanet 98742, MedGen CN305348, MONDO:0100150.
RYR1-related disorder. Also called: RYR1-related condition; RYR1-related disorders. Identifiers: MedGen CN239331.

Submissions (4):

Dasa
Classification: Uncertain significance for RYR1-related myopathy. Last evaluated: 2025-12-15. Review status: criteria provided, single submitter. Criteria: DASA Assertion Criteria. Collection method: clinical testing. Allele origin: germline.
Comment: NM_000540.3(RYR1):c.5723A>G (p.Lys1908Arg) is a missense variant that results in the substitution of lysine with arginine. This variant is rare in population databases. Computational prediction algorithms are consistent with a benign effect. The currently available literature and clinical evidence are not sufficient to establish a definitive association between this variant and the reported condition. Therefore, this variant is classified as a variant of uncertain significance.

Color Diagnostics, LLC DBA Color Health
Classification: Likely benign for Malignant hyperthermia, susceptibility to, 1. Last evaluated: 2025-08-05. Review status: criteria provided, single submitter. Criteria: ACMG Guidelines, 2015. Collection method: clinical testing. Allele origin: germline.

Labcorp Genetics (formerly Invitae), Labcorp
Classification: Uncertain significance for RYR1-related disorder. Last evaluated: 2025-03-30. Review status: criteria provided, single submitter. Criteria: Invitae Variant Classification Sherloc (09022015). Collection method: clinical testing. Allele origin: germline.
Comment: This sequence change replaces lysine, which is basic and polar, with arginine, which is basic and polar, at codon 1908 of the RYR1 protein (p.Lys1908Arg). This variant is not present in population databases (gnomAD no frequency). This variant has not been reported in the literature in individuals affected with RYR1-related conditions. ClinVar contains an entry for this variant (Variation ID: 3072199). Invitae Evidence Modeling of protein sequence and biophysical properties (such as structural, functional, and spatial information, amino acid conservation, physicochemical variation, residue mobility, and thermodynamic stability) indicates that this missense variant is not expected to disrupt RYR1 protein function with a negative predictive value of 95%. In summary, the available evidence is currently insufficient to determine the role of this variant in disease. Therefore, it has been classified as a Variant of Uncertain Significance.

All of Us Research Program, National Institutes of Health
Classification: Uncertain significance for Malignant hyperthermia, susceptibility to, 1. Last evaluated: 2023-06-26. Review status: criteria provided, single submitter. Criteria: ACMG Guidelines, 2015. Collection method: clinical testing. Allele origin: germline. Inheritance: Autosomal dominant inheritance. Observed: 1 variant allele, 1 heterozygote.
Comment: This missense variant replaces lysine with arginine at codon 1908 of the RYR1 protein. Computational prediction suggests that this variant may not impact protein structure and function (internally defined REVEL score threshold <= 0.5, PMID: 27666373). To our knowledge, functional studies have not been reported for this variant. This variant has not been reported in individuals affected with autosomal dominant malignant hyperthermia susceptibility in the literature, although it is has been reported in other phenotype(s) (PMID: 33458582). This variant has not been identified in the general population by the Genome Aggregation Database (gnomAD). Due to insufficient evidence, this variant is classified as a Variant of Uncertain Significance for autosomal dominant malignant hyperthermia susceptibility.

This study involves interpretation of variants in research participants for the purpose of population health screening. Participant phenotype was not available at the time of variant classification. Additional details can be found in publication PMID: 35346344, PMCID: PMC8962531

Literature cited by the submitters: PubMed 33458582 (cited by All of Us Research Program, National Institutes of Health).

NM_000540.3(RYR1):c.5723A>G (p.Lys1908Arg)

Gene: RYR1 (ryanodine receptor 1; plus strand). Cytogenetic location: 19q13.2.
Variant type: single nucleotide variant.
Coding change: c.5723A>G on transcript NM_000540.3 (MANE Select); coding-DNA position 5723, A replaced by G.
Protein change: p.Lys1908Arg; replaces lysine 1908 with arginine.
Molecular consequence: missense variant.
Genome position (GRCh38, 1-based): chr19:38,489,352, A>G. VCF-style: chr19-38489352-A-G. GRCh37 (hg19) VCF-style: chr19-38979992-A-G.
Other names: c.5723A>G, p.Lys1908Arg (NM_001042723.2); short protein forms K1908R.
Identifiers: ClinVar variation 3072199 (VCV003072199.6), dbSNP rs1214096526, ClinGen allele CA405658931.
Genomic context (GRCh38, chr19:38,489,352, plus strand): 5'-ATGAGGAGGAGAAGGAGGAGGATGAGGAGGAAACAGCACAGGAAAAGGAAGATGAGGAAA[A>G]AGAGGAAGAGGAGGCAGCAGAAGGGGAGAAAGAAGAAGGCTTGGAGGAAGGGCTGCTCCA-3'
Protein context (NP_000531.2, residues 1898-1918): ETAQEKEDEE[Lys1908Arg]EEEEAAEGEK